The following is an entry in ClinVar:

ClinVar aggregate classification (germline): Uncertain significance. Review status: criteria provided, multiple submitters, no conflicts (2 of 4 stars). 2 submissions from 2 submitters: Uncertain significance (2). Last evaluated 2025-08-02.

Conditions:
Inborn genetic diseases. Identifiers: MedGen C0950123, MeSH D030342.

Allele frequency attached by ClinVar (database versions not stated): ExAC 0.00001; gnomAD exomes 0.00001; TOPMed 0.00002; gnomAD 0.00003; 1000 Genomes Project 30x 0.00016; 1000 Genomes Project 0.00020.
gnomAD v4.1: 26 of 1,614,252 alleles (0.0016%); highest among the groups gnomAD compares: Admixed American, 0.0067%; no homozygotes.

Submissions (2):

Ambry Genetics
Classification: Uncertain significance for Inborn genetic diseases. Last evaluated: 2025-08-02. Review status: criteria provided, single submitter. Criteria: Ambry Variant Classification Scheme 2023. Collection method: clinical testing. Allele origin: germline.

Labcorp Genetics (formerly Invitae), Labcorp
Classification: Uncertain significance. Last evaluated: 2025-02-04. Review status: criteria provided, single submitter. Criteria: Invitae Variant Classification Sherloc (09022015). Collection method: clinical testing. Allele origin: germline.
Comment: This sequence change replaces glutamic acid, which is acidic and polar, with lysine, which is basic and polar, at codon 108 of the ARPC1B protein (p.Glu108Lys). This variant is present in population databases (rs573107646, gnomAD 0.003%). This variant has not been reported in the literature in individuals affected with ARPC1B-related conditions. ClinVar contains an entry for this variant (Variation ID: 2183197). Invitae Evidence Modeling of protein sequence and biophysical properties (such as structural, functional, and spatial information, amino acid conservation, physicochemical variation, residue mobility, and thermodynamic stability) indicates that this missense variant is expected to disrupt ARPC1B protein function with a positive predictive value of 80%. In summary, the available evidence is currently insufficient to determine the role of this variant in disease. Therefore, it has been classified as a Variant of Uncertain Significance.

NM_005720.4(ARPC1B):c.322G>A (p.Glu108Lys)

Gene: ARPC1B (actin related protein 2/3 complex subunit 1B; plus strand). Cytogenetic location: 7q22.1.
Variant type: single nucleotide variant.
Coding change: c.322G>A on transcript NM_005720.4 (MANE Select); coding-DNA position 322, G replaced by A.
Protein change: p.Glu108Lys; replaces glutamic acid 108 with lysine.
Molecular consequence: missense variant.
Genome position (GRCh38, 1-based): chr7:99,388,191, G>A. VCF-style: chr7-99388191-G-A. GRCh37 (hg19) VCF-style: chr7-98985814-G-A.
Other names: c.322G>A (NM_005720.3); short protein forms E108K.
Identifiers: ClinVar variation 2183197 (VCV002183197.3), dbSNP rs573107646, ClinGen allele CA4363978.
Genomic context (GRCh38, chr7:99,388,191, plus strand): 5'-CCCACGCTGGTCATCCTGCGGATCAACCGGGCTGCCCGCTGCGTGCGCTGGGCCCCCAAC[G>A]AGAACAAGTTTGCTGTGGGCAGCGGCTCTCGTGTGATCTCCATCTGTTATTTCGAGCAGG-3'
Protein context (NP_005711.1, residues 98-118): AARCVRWAPN[Glu108Lys]NKFAVGSGSR